The following is an entry in ClinVar:

ClinVar aggregate classification (germline): Uncertain significance (1 of 4 stars; one submission).

Allele frequency attached by ClinVar (database versions not stated): gnomAD exomes 0.00001.
gnomAD v4.1: 6 of 1,613,136 alleles (0.00037%); highest among the groups gnomAD compares: Non-Finnish European, 0.00051%; no homozygotes.

Submission:

Labcorp Genetics (formerly Invitae), Labcorp
Classification: Uncertain significance. Last evaluated: 2022-09-23. Review status: criteria provided, single submitter. Criteria: Invitae Variant Classification Sherloc (09022015). Collection method: clinical testing. Allele origin: germline.
Comment: This sequence change replaces histidine, which is basic and polar, with arginine, which is basic and polar, at codon 73 of the ROBO1 protein (p.His73Arg). This variant is present in population databases (rs549208564, gnomAD 0.0009%). This variant has not been reported in the literature in individuals affected with ROBO1-related conditions. Advanced modeling of protein sequence and biophysical properties (such as structural, functional, and spatial information, amino acid conservation, physicochemical variation, residue mobility, and thermodynamic stability) performed at Invitae indicates that this missense variant is not expected to disrupt ROBO1 protein function. In summary, the available evidence is currently insufficient to determine the role of this variant in disease. Therefore, it has been classified as a Variant of Uncertain Significance.

NM_002941.4(ROBO1):c.218A>G (p.His73Arg)

Gene: ROBO1 (roundabout guidance receptor 1; minus strand). Cytogenetic location: 3p12.3.
Variant type: single nucleotide variant.
Coding change: c.218A>G on transcript NM_002941.4 (MANE Select); coding-DNA position 218, A replaced by G.
Protein change: p.His73Arg; replaces histidine 73 with arginine.
Molecular consequence: missense variant.
Genome position (GRCh38, 1-based): chr3:78,938,882, T>C on the plus strand (A>G on the coding strand, the complement: ROBO1 is on the minus strand). VCF-style: chr3-78938882-T-C. GRCh37 (hg19) VCF-style: chr3-78988032-T-C.
Other names: c.101A>G, p.His34Arg (NM_001145844.1, NM_001145845.2, NM_133631.4); short protein forms H34R, H73R.
Identifiers: ClinVar variation 1945396 (VCV001945396.5), dbSNP rs549208564, ClinGen allele CA77706958.